The following is an entry in ClinVar:

NM_004944.4(DNASE1L3):c.252G>A (p.Thr84=)

Gene: DNASE1L3 (deoxyribonuclease 1L3; minus strand). Cytogenetic location: 3p14.3.
Variant type: single nucleotide variant.
Coding change: c.252G>A on transcript NM_004944.4 (MANE Select); coding-DNA position 252, G replaced by A.
Protein change: p.Thr84=; no amino-acid change (threonine 84 retained).
Molecular consequence: synonymous variant. On other transcripts: intron variant (1).
Genome position (GRCh38, 1-based): chr3:58,205,539, C>T on the plus strand (G>A on the coding strand, the complement: DNASE1L3 is on the minus strand). VCF-style: chr3-58205539-C-T. GRCh37 (hg19) VCF-style: chr3-58191266-C-T.
Other names: p.Thr84=; c.231-658G>A (NM_001256560.2).
Identifiers: ClinVar variation 1169233 (VCV001169233.13), dbSNP rs2070117, ClinGen allele CA2470067.

ClinVar aggregate classification (germline): Benign. Review status: criteria provided, multiple submitters, no conflicts (2 of 4 stars). 6 submissions from 6 submitters: Benign (6). Last evaluated 2026-02-04.

Allele frequency attached by ClinVar (database versions not stated): ESP Exome Variant Server 0.18740; gnomAD 0.21349 and 0.22636; TOPMed 0.22391; ExAC 0.27724; gnomAD exomes 0.27755; 1000 Genomes Project 30x 0.35618; 1000 Genomes Project 0.36182.
gnomAD v4.1: 375,298 of 1,612,268 alleles (23%); highest among the groups gnomAD compares: East Asian, 61%; 50,196 homozygotes.

Submissions (6):

Labcorp Genetics (formerly Invitae), Labcorp
Classification: Benign. Last evaluated: 2026-02-04. Review status: criteria provided, single submitter. Criteria: Invitae Variant Classification Sherloc (09022015). Collection method: clinical testing. Allele origin: germline.

Women's Health and Genetics/Laboratory Corporation of America, LabCorp
Classification: Benign. Last evaluated: 2026-01-21. Review status: criteria provided, single submitter. Criteria: LabCorp Variant Classification Summary - May 2015. Collection method: clinical testing. Allele origin: germline.

Blueprint Genetics
Classification: Benign. Last evaluated: 2024-11-26. Review status: criteria provided, single submitter. Criteria: ACMG Guidelines, 2015. Collection method: clinical testing. Allele origin: germline.

Unidad de Genómica Garrahan, Hospital de Pediatría Garrahan
Classification: Benign. Last evaluated: 2024-01-24. Review status: criteria provided, single submitter. Criteria: ACMG Guidelines, 2015. Collection method: clinical testing. Allele origin: germline. Affected: no. Observed: 37 variant alleles.
Comment: This variant is classified as Benign based on local population frequency. This variant was detected in 42% of patients studied by a panel of primary immunodeficiencies. Number of patients: 37. Only high quality variants are reported.

Mayo Clinic Laboratories, Mayo Clinic
Classification: Benign. Last evaluated: 2022-09-06. Review status: criteria provided, single submitter. Criteria: ACMG Guidelines, 2015. Collection method: clinical testing. Allele origin: germline. Observed: 169 variant alleles.

Breakthrough Genomics
Classification: Benign. Review status: criteria provided, single submitter. Criteria: ACMG Guidelines, 2015. Collection method: not provided. Allele origin: germline. Inheritance: Autosomal recessive inheritance. Affected: yes.